The following is an entry in ClinVar:

ClinVar aggregate classification (germline): Pathogenic (1 of 4 stars; one submission).

Submission:

Clinical Genomics Laboratory, Laboratory for Precision Diagnostics, University of Washington
Classification: Pathogenic. Last evaluated: 2019-10-18. Review status: criteria provided, single submitter. Criteria: Clinical Cytogenomics Laboratory Policy on CNV Interpretation. Collection method: clinical testing. Allele origin: unknown. Affected: yes. Observed: 1 variant allele.
Comment: Risk factor for neurocognitive abnormalities with low penetrance and variable expressivity

Literature cited by the submitters: PubMed 22922608; PubMed 28588435; PubMed 21359847; PubMed 30878790; PubMed 24821083; PubMed 27566550.

GRCh37/hg19 15q11.2(chr15:22750305-23164315)x3

Genes: CYFIP1 (cytoplasmic FMR1 interacting protein 1; minus strand), NIPA1 (NIPA magnesium transporter 1; plus strand), NIPA2 (NIPA magnesium transporter 2; plus strand), TUBGCP5 (tubulin gamma complex component 5; minus strand). Cytogenetic location: 15q11.2.
Variant type: copy number gain.
Change: copy number 3 (three copies instead of two) of chr15:22,750,305-23,164,315 (414.0 kb, GRCh37 coordinates, 1-based), cytogenetic band 15q11.2.
Identifiers: ClinVar variation 929376 (VCV000929376.2).